The following is an entry in ClinVar:

NM_004423.4(DVL3):c.1960G>A (p.Gly654Ser)

Gene: DVL3 (dishevelled segment polarity protein 3; plus strand). Cytogenetic location: 3q27.1.
Variant type: single nucleotide variant.
Coding change: c.1960G>A on transcript NM_004423.4 (MANE Select); coding-DNA position 1960, G replaced by A.
Protein change: p.Gly654Ser; replaces glycine 654 with serine.
Molecular consequence: missense variant.
Genome position (GRCh38, 1-based): chr3:184,170,564, G>A. VCF-style: chr3-184170564-G-A. GRCh37 (hg19) VCF-style: chr3-183888352-G-A.
Other names: short protein forms G654S.
Identifiers: ClinVar variation 1899471 (VCV001899471.5), dbSNP rs768782292, ClinGen allele CA2727554.

ClinVar aggregate classification (germline): Uncertain significance (1 of 4 stars; one submission).

Allele frequency attached by ClinVar (database versions not stated): TOPMed 0.00002; ExAC 0.00003.
gnomAD v4.1: 9 of 1,612,556 alleles (0.00056%); highest among the groups gnomAD compares: Admixed American, 0.012%; no homozygotes.

Submission:

Labcorp Genetics (formerly Invitae), Labcorp
Classification: Uncertain significance. Last evaluated: 2025-09-21. Review status: criteria provided, single submitter. Criteria: Invitae Variant Classification Sherloc (09022015). Collection method: clinical testing. Allele origin: germline.
Comment: This sequence change replaces glycine, which is neutral and non-polar, with serine, which is neutral and polar, at codon 654 of the DVL3 protein (p.Gly654Ser). This variant is present in population databases (rs768782292, gnomAD 0.01%). This variant has not been reported in the literature in individuals affected with DVL3-related conditions. ClinVar contains an entry for this variant (Variation ID: 1899471). An algorithm developed to predict the effect of missense changes on protein structure and function (PolyPhen-2) suggests that this variant is likely to be disruptive. In summary, the available evidence is currently insufficient to determine the role of this variant in disease. Therefore, it has been classified as a Variant of Uncertain Significance.